The following is an entry in ClinVar:

NM_000081.4(LYST):c.11268C>G (p.Ser3756Arg)

Gene: LYST (lysosomal trafficking regulator; minus strand). Cytogenetic location: 1q42.3.
Variant type: single nucleotide variant.
Coding change: c.11268C>G on transcript NM_000081.4 (MANE Select); coding-DNA position 11268, C replaced by G.
Protein change: p.Ser3756Arg; replaces serine 3756 with arginine.
Molecular consequence: missense variant.
Genome position (GRCh38, 1-based): chr1:235,663,078, G>C on the plus strand (C>G on the coding strand, the complement: LYST is on the minus strand). VCF-style: chr1-235663078-G-C. GRCh37 (hg19) VCF-style: chr1-235826378-G-C.
Other names: c.11268C>G, p.Ser3756Arg (NM_001301365.1); c.11268C>G (NM_000081.2); short protein forms S3756R.
Identifiers: ClinVar variation 1379183 (VCV001379183.6), dbSNP rs1558092432, ClinGen allele CA344984496.

ClinVar aggregate classification (germline): Uncertain significance. Review status: criteria provided, multiple submitters, no conflicts (2 of 4 stars). 2 submissions from 2 submitters: Uncertain significance (2). Last evaluated 2025-11-03.

Conditions:
Inborn genetic diseases. Identifiers: MedGen C0950123, MeSH D030342.
Chédiak-Higashi syndrome (CHS). Also called: Chediak-Higashi Syndrome. Identifiers: Orphanet 167, MedGen C0007965, MONDO:0008963, OMIM 214500.

Allele frequency attached by ClinVar (database versions not stated): gnomAD exomes 0.00001.
gnomAD v4.1: 10 of 1,560,880 alleles (0.00064%); highest among the groups gnomAD compares: Non-Finnish European, 0.00086%; no homozygotes.

Submissions (2):

Ambry Genetics
Classification: Uncertain significance for Inborn genetic diseases. Last evaluated: 2025-11-03. Review status: criteria provided, single submitter. Criteria: Ambry Variant Classification Scheme 2023. Collection method: clinical testing. Allele origin: germline.

Labcorp Genetics (formerly Invitae), Labcorp
Classification: Uncertain significance for Chédiak-Higashi syndrome. Last evaluated: 2021-08-18. Review status: criteria provided, single submitter. Criteria: Invitae Variant Classification Sherloc (09022015). Collection method: clinical testing. Allele origin: germline.
Comment: Algorithms developed to predict the effect of missense changes on protein structure and function are either unavailable or do not agree on the potential impact of this missense change (SIFT: "Deleterious"; PolyPhen-2: "Probably Damaging"; Align-GVGD: "Class C0"). This variant has not been reported in the literature in individuals affected with LYST-related conditions. This variant is not present in population databases (ExAC no frequency). In summary, the available evidence is currently insufficient to determine the role of this variant in disease. Therefore, it has been classified as a Variant of Uncertain Significance. This sequence change replaces serine with arginine at codon 3756 of the LYST protein (p.Ser3756Arg). The serine residue is moderately conserved and there is a moderate physicochemical difference between serine and arginine.